The following is an entry in ClinVar:

ClinVar aggregate classification (germline): Likely pathogenic (1 of 4 stars; one submission).

Conditions:
Familial cancer of breast. Also called: Hereditary breast cancer; hereditary breast carcinoma; BREAST CANCER, FAMILIAL. Identifiers: Orphanet 227535, MedGen C0346153, MONDO:0016419, OMIM 114480. Disease mechanism: loss of function.

Submission:

Labcorp Genetics (formerly Invitae), Labcorp
Classification: Likely pathogenic for Familial cancer of breast. Last evaluated: 2023-10-17. Review status: criteria provided, single submitter. Criteria: Invitae Variant Classification Sherloc (09022015). Collection method: clinical testing. Allele origin: germline.
Comment: This sequence change creates a premature translational stop signal (p.Pro509Serfs*11) in the CHEK2 gene. While this is not anticipated to result in nonsense mediated decay, it is expected to disrupt the last 35 amino acid(s) of the CHEK2 protein. This variant is not present in population databases (gnomAD no frequency). This variant has not been reported in the literature in individuals affected with CHEK2-related conditions. This variant disrupts the nuclear localization signal (NLS) of the CHEK2 protein, which is critical for proper nuclear localization (PMID: 18004398, 12909615). While functional studies have not been performed to directly test the effect of this variant on CHEK2 protein function, this suggests that disruption of this region of the protein is causative of disease. In summary, the currently available evidence indicates that the variant is pathogenic, but additional data are needed to prove that conclusively. Therefore, this variant has been classified as Likely Pathogenic.

Literature cited by the submitters: PubMed 18004398; PubMed 12909615.

NM_007194.4(CHEK2):c.1521_1524dup (p.Pro509fs)

Gene: CHEK2 (checkpoint kinase 2; minus strand). Cytogenetic location: 22q12.1.
Variant type: Duplication.
Coding change: c.1521_1524dup on transcript NM_007194.4 (MANE Select); coding-DNA positions 1521 to 1524, 4 bases duplicated (TCTA; older notation c.1521_1524dupTCTA).
Protein change: p.Pro509fs; shifts the reading frame from proline 509.
Molecular consequence: frameshift variant.
Genome position (GRCh38, 1-based): chr22:28,689,153-28,689,156, TAGA duplicated on the plus strand (TCTA on the coding strand, the reverse complement: CHEK2 is on the minus strand). VCF-style (leftmost placement, unchanged base first): chr22-28689152-G-GTAGA. GRCh37 (hg19) VCF-style: chr22-29085140-G-GTAGA.
Other names: c.1650_1653dup, p.Pro552Serfs (NM_001005735.3); c.858_861dup, p.Pro288Serfs (NM_001257387.3); c.1320_1323dup, p.Pro442Serfs (NM_001349956.3); c.1434_1437dup, p.Pro480Serfs (NM_145862.3); short protein forms P480fs, P288fs, P442fs, P509fs, P552fs.
Identifiers: ClinVar variation 2962714 (VCV002962714.3), dbSNP rs2517756961, ClinGen allele CA2740094808.